The following is an entry in ClinVar:

NM_017617.5(NOTCH1):c.82G>A (p.Gly28Ser)

Gene: NOTCH1 (notch receptor 1; minus strand). Cytogenetic location: 9q34.3.
Variant type: single nucleotide variant.
Coding change: c.82G>A on transcript NM_017617.5 (MANE Select); coding-DNA position 82, G replaced by A.
Protein change: p.Gly28Ser; replaces glycine 28 with serine.
Molecular consequence: missense variant.
Genome position (GRCh38, 1-based): chr9:136,544,082, C>T on the plus strand (G>A on the coding strand, the complement: NOTCH1 is on the minus strand). VCF-style: chr9-136544082-C-T. GRCh37 (hg19) VCF-style: chr9-139438534-C-T.
Other names: c.82G>A (NM_017617.4); short protein forms G28S.
Identifiers: ClinVar variation 1762827 (VCV001762827.3), dbSNP rs1388609508, ClinGen allele CA375579239.

ClinVar aggregate classification (germline): Conflicting classifications of pathogenicity. Review status: criteria provided, conflicting classifications (1 of 4 stars). 2 submissions from 2 submitters: Uncertain significance (1); Likely benign (1). Last evaluated 2022-11-22.

Conditions:
NOTCH1-related disorder. Also called: NOTCH1-related disorders; NOTCH1-related condition.
Familial thoracic aortic aneurysm and aortic dissection (TAAD). Also called: Thoracic aortic aneurysms and dissections. Identifiers: Orphanet 91387, MedGen C4707243, MONDO:0019625.

Allele frequency attached by ClinVar (database versions not stated): gnomAD exomes below 0.00001; gnomAD 0.00001.
gnomAD v4.1: 6 of 1,579,070 alleles (0.00038%); highest among the groups gnomAD compares: African/African-American, 0.0027%; no homozygotes.

Submissions (2):

PreventionGenetics, part of Exact Sciences
Classification: Uncertain significance for NOTCH1-related condition. Last evaluated: 2022-11-22. Review status: criteria provided, single submitter. Criteria: ACMG Guidelines, 2015. Collection method: clinical testing. Allele origin: germline.
Comment: The NOTCH1 c.82G>A variant is predicted to result in the amino acid substitution p.Gly28Ser. To our knowledge, this variant has not been reported in the literature. This variant is reported in 0.0093% of alleles in individuals of African descent in gnomAD. At this time, the clinical significance of this variant is uncertain due to the absence of conclusive functional and genetic evidence.

Ambry Genetics
Classification: Likely benign for Familial thoracic aortic aneurysm and aortic dissection. Last evaluated: 2021-12-24. Review status: criteria provided, single submitter. Criteria: Ambry Variant Classification Scheme 2023. Collection method: clinical testing. Allele origin: germline.